The following is an entry in ClinVar:

ClinVar aggregate classification (germline): Likely benign (1 of 4 stars; one submission).

Conditions:
Leigh syndrome (NULS). Also called: Leigh's necrotizing encephalopathy; Leigh's disease; Leigh Syndrome (mtDNA deletion); Leigh Disease; Subacute necrotizing encephalopathy; Necrotizing encephalopathy infantile subacute of Leigh. Identifiers: Orphanet 506, MedGen C2931891, MONDO:0009723, OMIM 256000.

Submission:

Wong Mito Lab, Molecular and Human Genetics, Baylor College of Medicine
Classification: Likely benign for Leigh syndrome. Last evaluated: 2019-10-17. Review status: criteria provided, single submitter. Criteria: Modified ACMG Guidelines (Unpublished). Collection method: clinical testing. Allele origin: germline.
Comment: The NC_012920.1:m.13576A>G (YP_003024036.1:p.Ile414Val) variant in MTND5 gene is interpretated to be a Likely Benign variant based on the modified ACMG guidelines (unpublished). This variant meets the following evidence codes: BS4, BP4

NC_012920.1(MT-ND5):m.13576A>G

Gene: MT-ND5 (mitochondrially encoded NADH dehydrogenase 5; plus strand).
Variant type: single nucleotide variant.
Genome position: chrM-13576-A-G.
Identifiers: ClinVar variation 693574 (VCV000693574.1), dbSNP rs1603224243, ClinGen allele CA414818608.